The following is an entry in ClinVar:

NM_031935.3(HMCN1):c.6229G>A (p.Asp2077Asn)

Gene: HMCN1 (hemicentin 1; plus strand). Cytogenetic location: 1q31.1.
Variant type: single nucleotide variant.
Coding change: c.6229G>A on transcript NM_031935.3 (MANE Select); coding-DNA position 6229, G replaced by A.
Protein change: p.Asp2077Asn; replaces aspartic acid 2077 with asparagine.
Molecular consequence: missense variant.
Genome position (GRCh38, 1-based): chr1:186,041,061, G>A. VCF-style: chr1-186041061-G-A. GRCh37 (hg19) VCF-style: chr1-186010193-G-A.
Other names: short protein forms D2077N.
Identifiers: ClinVar variation 2176927 (VCV002176927.4), dbSNP rs144448119, ClinGen allele CA1292500.
Genomic context (GRCh38, chr1:186,041,061, plus strand): 5'-TACCATTGATAGGTTCTCTCTGGTGGTCGAATCCTAGCATTGACCAGTGCACAAATCAGC[G>A]ACACAGGAAGGTACACCTGCGTGGCAGTGAATGCTGCTGGAGAAAAGCAAAGGGACATTG-3'
Protein context (NP_114141.2, residues 2067-2087): ILALTSAQIS[Asp2077Asn]TGRYTCVAVN

ClinVar aggregate classification (germline): Uncertain significance (1 of 4 stars; one submission).

Allele frequency attached by ClinVar (database versions not stated): ESP Exome Variant Server 0.00008.
gnomAD v4.1: 43 of 1,612,542 alleles (0.0027%); highest among the groups gnomAD compares: East Asian, 0.013%; no homozygotes.

Submission:

Labcorp Genetics (formerly Invitae), Labcorp
Classification: Uncertain significance. Last evaluated: 2026-01-20. Review status: criteria provided, single submitter. Criteria: Invitae Variant Classification Sherloc (09022015). Collection method: clinical testing. Allele origin: germline.
Comment: This sequence change replaces aspartic acid, which is acidic and polar, with asparagine, which is neutral and polar, at codon 2077 of the HMCN1 protein (p.Asp2077Asn). This variant is present in population databases (rs144448119, gnomAD 0.03%). This variant has not been reported in the literature in individuals affected with HMCN1-related conditions. ClinVar contains an entry for this variant (Variation ID: 2176927). An algorithm developed to predict the effect of missense changes on protein structure and function (PolyPhen-2) suggests that this variant is likely to be disruptive. In summary, the available evidence is currently insufficient to determine the role of this variant in disease. Therefore, it has been classified as a Variant of Uncertain Significance.